The following is an entry in ClinVar:

ClinVar aggregate classification (germline): Uncertain significance. Review status: criteria provided, multiple submitters, no conflicts (2 of 4 stars). 2 submissions from 2 submitters: Uncertain significance (2). Last evaluated 2024-03-20.

Conditions:
Epidermolysis bullosa simplex 5B, with muscular dystrophy (EBS5B). Also called: Epidermolysis bullosa simplex with muscular dystrophy; EPIDERMOLYSIS BULLOSA SIMPLEX AND LIMB-GIRDLE MUSCULAR DYSTROPHY. Identifiers: Orphanet 257, MedGen C2931072, MONDO:0009181, OMIM 226670.
Epidermolysis bullosa simplex 5C, with pyloric atresia (EBS5C). Also called: Epidermolysis bullosa simplex with pyloric atresia; PLEC-Related Epidermolysis Bullosa with Pyloric Atresia; PLEC1-Related Epidermolysis Bullosa with Pyloric Atresia. Identifiers: Orphanet 158684, MedGen C2677349, MONDO:0012807, OMIM 612138.
Epidermolysis bullosa simplex with nail dystrophy (EBS5D). Identifiers: MedGen C4225309, MONDO:0014661, OMIM 616487.
Autosomal recessive limb-girdle muscular dystrophy type 2Q (LGMDR17). Also called: MUSCULAR DYSTROPHY, LIMB-GIRDLE, AUTOSOMAL RECESSIVE 17. Identifiers: Orphanet 254361, MedGen C3150989, MONDO:0013390, OMIM 613723.
Epidermolysis bullosa simplex, Ogna type (EBS5A). Also called: Pidermolysis bullosa simplex 5A, Ogna type; EPIDERMOLYSIS BULLOSA SIMPLEX 5A, OGNA TYPE. Identifiers: Orphanet 79401, MedGen C0432317, MONDO:0007555, OMIM 131950.

Submissions (2):

GeneDx
Classification: Uncertain significance. Last evaluated: 2024-03-20. Review status: criteria provided, single submitter. Criteria: GeneDx Variant Classification Process June 2021. Collection method: clinical testing. Allele origin: germline. Affected: yes.
Comment: Has not been previously published as pathogenic or benign to our knowledge; Not observed at significant frequency in large population cohorts (gnomAD); In silico analysis supports that this missense variant has a deleterious effect on protein structure/function; Missense variant in a gene in which most reported pathogenic variants are truncating/loss of function

Labcorp Genetics (formerly Invitae), Labcorp
Classification: Uncertain significance for Autosomal recessive limb-girdle muscular dystrophy type 2Q; Epidermolysis bullosa simplex, Ogna type; Epidermolysis bullosa simplex with nail dystrophy; Epidermolysis bullosa simplex 5C, with pyloric atresia; Epidermolysis bullosa simplex 5B, with muscular dystrophy. Last evaluated: 2022-10-10. Review status: criteria provided, single submitter. Criteria: Invitae Variant Classification Sherloc (09022015). Collection method: clinical testing. Allele origin: germline.
Comment: This sequence change replaces histidine, which is basic and polar, with glutamine, which is neutral and polar, at codon 646 of the PLEC protein (p.His646Gln). In summary, the available evidence is currently insufficient to determine the role of this variant in disease. Therefore, it has been classified as a Variant of Uncertain Significance. Advanced modeling of protein sequence and biophysical properties (such as structural, functional, and spatial information, amino acid conservation, physicochemical variation, residue mobility, and thermodynamic stability) performed at Invitae indicates that this missense variant is not expected to disrupt PLEC protein function. ClinVar contains an entry for this variant (Variation ID: 1353794). This variant has not been reported in the literature in individuals affected with PLEC-related conditions. This variant is not present in population databases (gnomAD no frequency).

NM_201384.3(PLEC):c.1857C>G (p.His619Gln)

Gene: PLEC (plectin; minus strand). Cytogenetic location: 8q24.3.
Variant type: single nucleotide variant.
Coding change: c.1857C>G on transcript NM_201384.3 (MANE Select); coding-DNA position 1857, C replaced by G.
Protein change: p.His619Gln; replaces histidine 619 with glutamine.
Molecular consequence: missense variant.
Genome position (GRCh38, 1-based): chr8:143,932,520, G>C on the plus strand (C>G on the coding strand, the complement: PLEC is on the minus strand). VCF-style: chr8-143932520-G-C. GRCh37 (hg19) VCF-style: chr8-145006688-G-C.
Other names: c.1938C>G (NM_000445.3); c.1938C>G, p.His646Gln (NM_000445.5); c.1815C>G, p.His605Gln (NM_201378.4); c.1791C>G, p.His597Gln (NM_201379.3); c.2268C>G, p.His756Gln (NM_201380.4); c.1761C>G, p.His587Gln (NM_201381.3); c.1857C>G, p.His619Gln (NM_201382.4); c.1869C>G, p.His623Gln (NM_201383.3); short protein forms H623Q, H646Q, H587Q, H597Q, H605Q, H619Q, H756Q.
Identifiers: ClinVar variation 1353794 (VCV001353794.9), dbSNP rs782172883, ClinGen allele CA372578524.